The following is an entry in ClinVar:

NM_005154.5(USP8):c.2153C>G (p.Ser718Cys)

Gene: USP8 (ubiquitin specific peptidase 8; plus strand). Cytogenetic location: 15q21.2.
Variant type: single nucleotide variant.
Coding change: c.2153C>G on transcript NM_005154.5 (MANE Select); coding-DNA position 2153, C replaced by G.
Protein change: p.Ser718Cys; replaces serine 718 with cysteine.
Molecular consequence: missense variant.
Genome position (GRCh38, 1-based): chr15:50,490,444, C>G. VCF-style: chr15-50490444-C-G. GRCh37 (hg19) VCF-style: chr15-50782641-C-G.
Other names: c.2153C>G, p.Ser718Cys (NM_001128610.3); c.1835C>G, p.Ser612Cys (NM_001283049.2); short protein forms S718C, S612C.
Identifiers: ClinVar variation 161993 (VCV000161993.2), dbSNP rs672601308, ClinGen allele CA174939.
Genomic context (GRCh38, chr15:50,490,444, plus strand): 5'-CCAAGCCACAGATTCCTGCTGAGCGGGATAGGGAACCTTCCAAACTGAAGCGCTCCTACT[C>G]CTCCCCAGATATAACCCAGGCTATTCAAGAGGAAGAGAAGAGGAAGCCAACAGTAACTCC-3'
Protein context (NP_005145.3, residues 708-728): REPSKLKRSY[Ser718Cys]SPDITQAIQE

ClinVar aggregate classification (germline): Pathogenic (0 of 4 stars; one submission).

Conditions:
Pituitary dependent hypercortisolism. Also called: Pituitary ACTH Hypersecretion; Cushing disease due to pituitary adenoma; CUSHING DISEASE, PITUITARY; Pituitary adenoma, acth-secreting, somatic; PITUITARY ADENOMA 4, ACTH-SECRETING. Identifiers: Orphanet 96253, MedGen C0221406, MONDO:0009050, OMIM 219090.

Submission:

Institute of Human Genetics Munich, TUM University Hospital
Classification: Pathogenic for Pituitary dependent hypercortisolism. Last evaluated: 2014-11-18. Review status: no assertion criteria provided. Collection method: research. Allele origin: somatic. Affected: yes. Observed: 1 variant allele.
Comment: gain of function